The following is an entry in ClinVar:

ClinVar aggregate classification (germline): Uncertain significance (1 of 4 stars; one submission).

Conditions:
Bardet-Biedl syndrome (BBS). Identifiers: Orphanet 110, MedGen C0752166, MONDO:0015229.

Submission:

Labcorp Genetics (formerly Invitae), Labcorp
Classification: Uncertain significance for Bardet-Biedl syndrome. Last evaluated: 2022-07-11. Review status: criteria provided, single submitter. Criteria: Invitae Variant Classification Sherloc (09022015). Collection method: clinical testing. Allele origin: germline.
Comment: This sequence change replaces serine, which is neutral and polar, with asparagine, which is neutral and polar, at codon 143 of the BBS12 protein (p.Ser143Asn). This variant is present in population databases (no rsID available, gnomAD 0.07%). This variant has not been reported in the literature in individuals affected with BBS12-related conditions. Algorithms developed to predict the effect of missense changes on protein structure and function are either unavailable or do not agree on the potential impact of this missense change (SIFT: "Not Available"; PolyPhen-2: "Benign"; Align-GVGD: "Not Available"). In summary, the available evidence is currently insufficient to determine the role of this variant in disease. Therefore, it has been classified as a Variant of Uncertain Significance.

NM_152618.3(BBS12):c.428_429delinsAT (p.Ser143Asn)

Gene: BBS12 (Bardet-Biedl syndrome 12; plus strand). Cytogenetic location: 4q27.
Variant type: Indel.
Coding change: c.428_429delinsAT on transcript NM_152618.3 (MANE Select); coding-DNA positions 428 to 429, GC replaced by AT.
Protein change: p.Ser143Asn; replaces serine 143 with asparagine.
Molecular consequence: missense variant.
Genome position (GRCh38, 1-based): chr4:122,742,320-122,742,321, GC replaced by AT. VCF-style: chr4-122742320-GC-AT. GRCh37 (hg19) VCF-style: chr4-123663475-GC-AT.
Other names: c.428_429delinsAT, p.Ser143Asn (NM_001178007.2); short protein forms S143N.
Identifiers: ClinVar variation 1928496 (VCV001928496.2), dbSNP rs2485072711, ClinGen allele CA2580071457.